The following is an entry in ClinVar:

NM_001130009.3(GEN1):c.1702A>T (p.Ser568Cys)

Gene: GEN1 (GEN1 structure-specific endonuclease; plus strand). Cytogenetic location: 2p24.2.
Variant type: single nucleotide variant.
Coding change: c.1702A>T on transcript NM_001130009.3 (MANE Select); coding-DNA position 1702, A replaced by T.
Protein change: p.Ser568Cys; replaces serine 568 with cysteine.
Molecular consequence: missense variant.
Genome position (GRCh38, 1-based): chr2:17,780,914, A>T. VCF-style: chr2-17780914-A-T. GRCh37 (hg19) VCF-style: chr2-17962181-A-T.
Other names: c.1702A>T, p.Ser568Cys (NM_182625.5); short protein forms S568C.
Identifiers: ClinVar variation 4671491 (VCV004671491.1).

ClinVar aggregate classification (germline): Uncertain significance (1 of 4 stars; one submission).

Submission:

Ambry Genetics
Classification: Uncertain significance. Last evaluated: 2025-10-30. Review status: criteria provided, single submitter. Criteria: Ambry Variant Classification Scheme 2023. Collection method: clinical testing. Allele origin: germline.
Comment: The p.S568C variant (also known as c.1702A>T), located in coding exon 13 of the GEN1 gene, results from an A to T substitution at nucleotide position 1702. The serine at codon 568 is replaced by cysteine, an amino acid with dissimilar properties. This amino acid position is conserved. In addition, this alteration is predicted to be tolerated by in silico analysis. Based on the available evidence, the clinical significance of this variant remains unclear.